The following is an entry in ClinVar:

ClinVar aggregate classification (germline): Likely pathogenic. Review status: reviewed by expert panel (3 of 4 stars). 13 submissions from 13 submitters: Likely pathogenic (1). 12 of the submissions do not count toward it. Last evaluated 2021-12-09.

Conditions:
MYH7-related disorder. Also called: MYH7-related condition; MYH7-related disease; MYH7-related disorders.
Cardiovascular phenotype. Identifiers: MedGen CN230736.
Cardiomyopathy (CMYO). Also called: Cardiomyopathies. Identifiers: Orphanet 167848, MedGen C0878544, MONDO:0004994, HP:0001638. Inheritance: Various modes of inheritance.
Hypertrophic cardiomyopathy 1 (CMH1). Also called: Familial hypertrophic cardiomyopathy 1; MYH7-Related Familial Hypertrophic Cardiomyopathy. Identifiers: MedGen C3495498, MONDO:0008647, OMIM 192600.
Hypertrophic cardiomyopathy. Also called: HYPERTROPHIC MYOCARDIOPATHY. Identifiers: Orphanet 217569, MedGen C0007194, MeSH D002312, MONDO:0005045, HP:0001639.

Allele frequency attached by ClinVar (database versions not stated): ExAC 0.00001; gnomAD 0.00001; gnomAD exomes 0.00001; TOPMed 0.00002.

Submissions 1 to 7 of 13:

ClinGen Cardiomyopathy Variant Curation Expert Panel
Classification: Likely pathogenic for Hypertrophic cardiomyopathy. Last evaluated: 2021-12-09. Review status: reviewed by expert panel. Criteria: ClinGen CMP ACMG Specifications v1. Collection method: curation. Allele origin: germline. Inheritance: Autosomal dominant inheritance.
Comment: The NM_000257.4(MYH7):c.3169G>A (p.Gly1057Ser) variant has been identified in >20 individuals with HCM, including 1 individual with an additional variant in another gene that may contribute to their disease and 2 individuals with DCM (PS4; Van Driest 2004 PMID 15358028; Kapplinger 2014 PMID:24510615, Walsh 2017 PMID:27532257; Hazebroek 2018 PMID:24510615; Ho 2018 PMID: 30297972; van Lint 2019 PMID: 30847666; Robyns 2020 PMID: 31513939; Verdonschot 2020 PMID: 32880476; Ambry pers. comm; ARUP pers. comm; GeneDx pers. comm.; Invitae pers. comm; LMM pers. comm.). Additionally, this variant has also been reported in 1 individual with RCM and AFib, 4 individuals with unspecified heart disease or cardiomyopathy and 1 individual with LVH, CHD and trisomy 21 (Ambry pers. comm.; GeneDx pers. comm., Invitae pers. comm.). This variant was absent from large population studies (PM2; gnomAD v2.1.1). Computational prediction tools and conservation analysis suggest that this variant may impact the protein (PP3). In summary, this variant meets criteria to be classified as likely pathogenic for hypertrophic cardiomyopathy in an autosomal dominant manner. ACMG/AMP Criteria applied: PS4, PM2, PP3.

GeneDx
Classification: Likely pathogenic. Last evaluated: 2026-10-13. Review status: criteria provided, single submitter. Criteria: GeneDx Variant Classification Process June 2021. Collection method: clinical testing. Allele origin: germline. Not counted in ClinVar's aggregate classification.
Comment: In silico analysis supports that this missense variant has a deleterious effect on protein structure/function; Not observed at significant frequency in large population cohorts (gnomAD); This variant is associated with the following publications: (PMID: 15358028, 27532257, 24510615, 21310275, 29300372, 29540472, 31513939, 32894683, 30297972, 34542152, 31568572, 30847666, 16199542, 29255176, 32880476, 37652022, 33029862, 27476098, 33495596, 33495597, 33764162, 37198425, 31229680)

PreventionGenetics, part of Exact Sciences
Classification: Likely pathogenic for MYH7-related condition. Last evaluated: 2026-08-28. Review status: criteria provided, single submitter. Criteria: ACMG Guidelines, 2015. Collection method: clinical testing. Allele origin: germline. Not counted in ClinVar's aggregate classification.
Comment: The MYH7 c.3169G>A variant is predicted to result in the amino acid substitution p.Gly1057Ser. The MYH7 gene variant c.3169G>A is predicted to result in the amino acid substitution p.Gly1057Ser. This variant has been observed in only 2 out of 246,264 alleles in the gnomAD database and has been reported in ClinVar as a variant of uncertain significance or as likely pathogenic (Variation ID: 42950). Of note, the cardiomyopathy expert panel has classified this as likely pathogenic for autosomal dominant hypertrophic cardiomyopathy. This variant has been reported in 9 individuals with hypertrophic cardiomyopathy (Van Driest et al. 2004. PubMed ID: 15358028; Kapplinger. 2014. PubMed ID: 24510615; Table S1B - Walsh et al. 2017. PubMed ID: 27532257; Table S1, Ho et al. 2018. PubMed ID: 30297972; Table S3, Hazebroek et al. 2018. PubMed ID: 29540472). However, in one individual this variant co-occurred with a different pathogenic variant in MYH7 (Table S3, Hazebroek et al. 2018. PubMed ID: 29540472). An internal summary of amino acid substitution prediction programs predicts the p.Gly1057Ser change to be “damaging” (Liu et al. 2016. PMID: 26555599). Based on these observations, the c.3169G>A variant is classified as likely pathogenic.

Clinical Genomics Laboratory, Washington University in St. Louis
Classification: Likely pathogenic for Hypertrophic cardiomyopathy 1. Last evaluated: 2026-04-03. Review status: criteria provided, single submitter. Criteria: ACMG Guidelines, 2015. Collection method: clinical testing. Allele origin: germline. Affected: yes. Not counted in ClinVar's aggregate classification.
Comment: The MYH7 c.3169G>A (p.Gly1057Ser) variant has been reported in multiple individuals affected primarily with hypertrophic cardiomyopathy and at least two cases with dilated cardiomyopathy (Ho CY et al., PMID: 30297972; Kühnisch J et al., PMID: 31568572; Robyns T et al., PMID: 29255176; Robyns T et al., PMID: 31513939; Van Driest SL et al., PMID: 15358028; van Kaam KJAF et al., doi: 10.1038/s41431-019-0404-7; van Lint FHM et al., PMID: 30847666; van Velzen HG et al., PMID: 27476098; Verdonschot JAJ PMID: 32880476; Walsh R et al., PMID: 27532257). This variant is only observed in 2/251,486 alleles in the general population (gnomAD 2.1.1), indicating it is not a common variant. Another variant in the same codon, c.3170G>A (p.Gly1057Asp), has been reported in affected individuals (Ho CY et al., PMID: 30297972; Teramoto R et al., PMID: 29398688; Walsh R et al., PMID: 27532257; ClinVar Variation ID: 492982). This variant has been classified in the ClinVar database by an expert panel as a germline likely pathogenic variant. Based on available information and the ACMG/AMP guidelines for variant interpretation (Richards S et al., PMID: 25741868) and ClinGen Cardiomyopathy Variant Curation Expert Panel recommendations, this variant is classified as likely pathogenic.

Labcorp Genetics (formerly Invitae), Labcorp
Classification: Pathogenic for Hypertrophic cardiomyopathy. Last evaluated: 2026-01-22. Review status: criteria provided, single submitter. Criteria: Invitae Variant Classification Sherloc (09022015). Collection method: clinical testing. Allele origin: germline. Not counted in ClinVar's aggregate classification.
Comment: This sequence change replaces glycine, which is neutral and non-polar, with serine, which is neutral and polar, at codon 1057 of the MYH7 protein (p.Gly1057Ser). This variant is present in population databases (rs397516179, gnomAD 0.002%). This missense change has been observed in individuals with hypertrophic cardiomyopathy (PMID: 15358028, 27532257, 29255176, 30297972, 30847666, 31513939; internal data). ClinVar contains an entry for this variant (Variation ID: 42950). Invitae Evidence Modeling of protein sequence and biophysical properties (such as structural, functional, and spatial information, amino acid conservation, physicochemical variation, residue mobility, and thermodynamic stability) indicates that this missense variant is expected to disrupt MYH7 protein function with a positive predictive value of 95%. This variant disrupts the p.Gly1057 amino acid residue in MYH7. Other variant(s) that disrupt this residue have been observed in individuals with MYH7-related conditions (PMID: 29398688), which suggests that this may be a clinically significant amino acid residue. For these reasons, this variant has been classified as Pathogenic.

Ambry Genetics
Classification: Likely pathogenic for Cardiovascular phenotype. Last evaluated: 2025-09-17. Review status: criteria provided, single submitter. Criteria: Ambry Variant Classification Scheme 2023. Collection method: clinical testing. Allele origin: germline. Not counted in ClinVar's aggregate classification.
Comment: The p.G1057S variant (also known as c.3169G>A), located in coding exon 23 of the MYH7 gene, results from a G to A substitution at nucleotide position 3169. The glycine at codon 1057 is replaced by serine, an amino acid with similar properties. This variant has been identified in multiple individuals with hypertrophic cardiomyopathy (HCM) (Van Driest SL et al. J. Am Coll Cardiol 2004 Aug; 44(3):602-10; Kapplinger JD et al. J Cardiovasc Transl Res 2014 Apr; 7(3):347-61; Walsh R et al. Genet. Med., 2017 Feb;19:192-203; Hazebroek MR et al. Circ Heart Fail. 2018;11:e004682; Ambry internal data). In one family with HCM, this variant was seen in two affected relatives and one unaffected relative (Robyns T et al. Eur J Hum Genet. 2017;25(12):1313-1323). This amino acid position is highly conserved in available vertebrate species. In addition, this alteration is predicted to be deleterious by in silico analysis. Based on the majority of available evidence to date, this variant is likely to be pathogenic.

Color Diagnostics, LLC DBA Color Health
Classification: Likely pathogenic for Cardiomyopathy. Last evaluated: 2025-05-13. Review status: criteria provided, single submitter. Criteria: ACMG Guidelines, 2015. Collection method: clinical testing. Allele origin: germline. Not counted in ClinVar's aggregate classification.
Comment: This missense variant replaces glycine with serine at codon 1057 in the neck and hinge domain (S2) domain of the MYH7 protein. Computational prediction suggests that this variant may have a deleterious impact on protein structure and function. To our knowledge, functional studies have not been reported for this variant. This variant has been reported in more than ten unrelated individuals affected with hypertrophic cardiomyopathy (PMID: 15358028, 27476098, 27532257, 30297972, 30847666, 31568572, 33029862, 33495596DOI:10.1038/s41431-019-0404-7) or suspected to be affected with hypertrophic cardiomyopathy (PMID: 24510615). It has also been reported in an individual affected with dilated cardiomyopathy (PMID: 37198425). This variant has been identified in 2/251486 chromosomes in the general population by the Genome Aggregation Database (gnomAD). Based on the available evidence, this variant is classified as Likely Pathogenic.

NM_000257.4(MYH7):c.3169G>A (p.Gly1057Ser)

Gene: MYH7 (myosin heavy chain 7; minus strand). Cytogenetic location: 14q11.2.
Variant type: single nucleotide variant.
Coding change: c.3169G>A on transcript NM_000257.4 (MANE Select); coding-DNA position 3169, G replaced by A.
Protein change: p.Gly1057Ser; replaces glycine 1057 with serine.
Molecular consequence: missense variant.
Genome position (GRCh38, 1-based): chr14:23,422,256, C>T on the plus strand (G>A on the coding strand, the complement: MYH7 is on the minus strand). VCF-style: chr14-23422256-C-T. GRCh37 (hg19) VCF-style: chr14-23891465-C-T.
Other names: NM_000257.3(MYH7):c.3169G>A; NM_000257.4(MYH7):c.3169G>A; short protein forms G1057S.
Identifiers: ClinVar variation 42950 (VCV000042950.56), dbSNP rs397516179, ClinGen allele CA013436.